The following is an entry in ClinVar:

NM_012123.4(MTO1):c.60_61delinsAA (p.Phe20_Pro21delinsLeuThr)

Gene: MTO1 (mitochondrial tRNA translation optimization 1; plus strand). Cytogenetic location: 6q13.
Variant type: Indel.
Coding change: c.60_61delinsAA on transcript NM_012123.4 (MANE Select); coding-DNA positions 60 to 61, TC replaced by AA.
Protein change: p.Phe20_Pro21delinsLeuThr.
Molecular consequence: missense variant.
Genome position (GRCh38, 1-based): chr6:73,461,914-73,461,915, TC replaced by AA. VCF-style: chr6-73461914-TC-AA. GRCh37 (hg19) VCF-style: chr6-74171637-TC-AA.
Other names: c.60_61delinsAA, p.Phe20_Pro21delinsLeuThr (NM_001123226.2, NM_133645.3).
Identifiers: ClinVar variation 1484759 (VCV001484759.6), dbSNP rs2150024353, ClinGen allele CA2573141191.

ClinVar aggregate classification (germline): Uncertain significance (1 of 4 stars; one submission).

Conditions:
Mitochondrial hypertrophic cardiomyopathy with lactic acidosis due to MTO1 deficiency. Also called: CARDIOMYOPATHY, INFANTILE HYPERTROPHIC MITOCHONDRIAL, AND LACTIC ACIDOSIS; Combined oxidative phosphorylation deficiency 10. Identifiers: Orphanet 314637, MedGen C4749921, MONDO:0013865, OMIM 614702.

Submission:

Labcorp Genetics (formerly Invitae), Labcorp
Classification: Uncertain significance for Mitochondrial hypertrophic cardiomyopathy with lactic acidosis due to MTO1 deficiency. Last evaluated: 2022-12-06. Review status: criteria provided, single submitter. Criteria: Invitae Variant Classification Sherloc (09022015). Collection method: clinical testing. Allele origin: germline.
Comment: Information on the frequency of this variant in the gnomAD database is not available, as this variant may be reported differently in the database. This variant has not been reported in the literature in individuals affected with MTO1-related conditions. ClinVar contains an entry for this variant (Variation ID: 1484759). Experimental studies and prediction algorithms are not available or were not evaluated, and the functional significance of this variant is currently unknown. In summary, the available evidence is currently insufficient to determine the role of this variant in disease. Therefore, it has been classified as a Variant of Uncertain Significance. This variant, c.60_61delinsAA, is a complex sequence change that results in the deletion of 2 and insertion of 2 amino acid(s) in the MTO1 protein (p.Phe20_Pro21delinsLeuThr).